The following is an entry in ClinVar:

ClinVar aggregate classification (germline): Uncertain significance. Review status: criteria provided, multiple submitters, no conflicts (2 of 4 stars). 2 submissions from 2 submitters: Uncertain significance (2). Last evaluated 2023-10-23.

Conditions:
Shprintzen-Goldberg syndrome (SGS). Also called: SHPRINTZEN-GOLDBERG CRANIOSYNOSTOSIS SYNDROME; CRANIOSYNOSTOSIS WITH ARACHNODACTYLY AND ABDOMINAL HERNIAS; Marfanoid disorder with craniosynostosis type 1; Marfanoid craniosynostosis syndrome; Shprintzen-Goldberg marfanoid syndrome. Identifiers: Orphanet 2462, MedGen C1321551, MONDO:0008426, OMIM 182212.

Allele frequency attached by ClinVar (database versions not stated): gnomAD exomes below 0.00001.
gnomAD v4.1: 1 of 1,603,424 alleles (0.000062%); no homozygotes.

Submissions (2):

Blueprint Genetics
Classification: Uncertain significance. Last evaluated: 2023-10-23. Review status: criteria provided, single submitter. Criteria: ACMG Guidelines, 2015. Collection method: clinical testing. Allele origin: germline.

Labcorp Genetics (formerly Invitae), Labcorp
Classification: Uncertain significance for Shprintzen-Goldberg syndrome. Last evaluated: 2021-03-07. Review status: criteria provided, single submitter. Criteria: Invitae Variant Classification Sherloc (09022015). Collection method: clinical testing. Allele origin: germline.
Comment: In summary, the available evidence is currently insufficient to determine the role of this variant in disease. Therefore, it has been classified as a Variant of Uncertain Significance. This sequence change replaces proline with leucine at codon 93 of the SKI protein (p.Pro93Leu). The proline residue is moderately conserved and there is a moderate physicochemical difference between proline and leucine. This variant is not present in population databases (ExAC no frequency). This variant has not been reported in the literature in individuals with SKI-related conditions. Advanced modeling of protein sequence and biophysical properties (such as structural, functional, and spatial information, amino acid conservation, physicochemical variation, residue mobility, and thermodynamic stability) performed at Invitae indicates that this missense variant is expected to disrupt SKI protein function.

NM_003036.4(SKI):c.278C>T (p.Pro93Leu)

Gene: SKI (SKI proto-oncogene; plus strand). Cytogenetic location: 1p36.33.
Variant type: single nucleotide variant.
Coding change: c.278C>T on transcript NM_003036.4 (MANE Select); coding-DNA position 278, C replaced by T.
Protein change: p.Pro93Leu; replaces proline 93 with leucine.
Molecular consequence: missense variant.
Genome position (GRCh38, 1-based): chr1:2,229,044, C>T. VCF-style: chr1-2229044-C-T. GRCh37 (hg19) VCF-style: chr1-2160483-C-T.
Other names: short protein forms P93L.
Identifiers: ClinVar variation 1485708 (VCV001485708.9), dbSNP rs749071609, ClinGen allele CA337952456.